The following is an entry in ClinVar:

ClinVar aggregate classification (germline): Uncertain significance (1 of 4 stars; one submission).

Allele frequency attached by ClinVar (database versions not stated): gnomAD exomes below 0.00001.
gnomAD v4.1: 2 of 1,614,216 alleles (0.00012%); highest among the groups gnomAD compares: Non-Finnish European, 0.00017%; no homozygotes.

Submission:

CeGaT Center for Human Genetics Tuebingen
Classification: Uncertain significance. Last evaluated: 2022-10-01. Review status: criteria provided, single submitter. Criteria: CeGaT Center For Human Genetics Tuebingen Variant Classification Criteria Version 2. Collection method: clinical testing. Allele origin: germline. Affected: yes. Observed: 1 variant allele.
Comment: PTPRS: PM2, PP2

NM_002850.4(PTPRS):c.1171G>A (p.Gly391Ser)

Gene: PTPRS (protein tyrosine phosphatase receptor type S; minus strand). Cytogenetic location: 19p13.3.
Variant type: single nucleotide variant.
Coding change: c.1171G>A on transcript NM_002850.4 (MANE Select); coding-DNA position 1171, G replaced by A.
Protein change: p.Gly391Ser; replaces glycine 391 with serine.
Molecular consequence: missense variant.
Genome position (GRCh38, 1-based): chr19:5,244,300, C>T on the plus strand (G>A on the coding strand, the complement: PTPRS is on the minus strand). VCF-style: chr19-5244300-C-T. GRCh37 (hg19) VCF-style: chr19-5244311-C-T.
Other names: c.1132G>A, p.Gly378Ser (NM_001394011.1, NM_001394012.1, NM_001394013.1 and 2 more transcripts); c.1144G>A, p.Gly382Ser (NM_130855.3); short protein forms G378S, G382S, G391S.
Identifiers: ClinVar variation 2649114 (VCV002649114.24), dbSNP rs2513137038, ClinGen allele CA403497849.